The following is an entry in ClinVar:

NM_000202.8(IDS):c.753C>T (p.Pro251=)

Genes: IDS (iduronate 2-sulfatase; minus strand), LOC106050102 (IDS recombination region; plus strand). Cytogenetic location: Xq28.
Variant type: single nucleotide variant.
Coding change: c.753C>T on transcript NM_000202.8 (MANE Select); coding-DNA position 753, C replaced by T.
Protein change: p.Pro251=; no amino-acid change (proline 251 retained).
Molecular consequence: synonymous variant. On other transcripts: non-coding transcript variant (1).
Genome position (GRCh38, 1-based): chrX:149,496,472, G>A on the plus strand (C>T on the coding strand, the complement: IDS is on the minus strand). VCF-style: chrX-149496472-G-A. GRCh37 (hg19) VCF-style: chrX-148578003-G-A.
Other names: c.483C>T, p.Pro161= (NM_001166550.4); c.753C>T, p.Pro251= (NM_006123.5); c.753C>T (NM_000202.7).
Identifiers: ClinVar variation 589014 (VCV000589014.19), dbSNP rs782051908, ClinGen allele CA10537606.

ClinVar aggregate classification (germline): Benign/Likely benign. Review status: criteria provided, multiple submitters, no conflicts (2 of 4 stars). 4 submissions from 4 submitters: Benign (1); Likely benign (2). 1 of the submissions does not count toward it. Last evaluated 2025-02-12.

Conditions:
Inborn genetic diseases. Identifiers: MedGen C0950123, MeSH D030342.
Mucopolysaccharidosis, MPS-II (MPS2). Also called: Mucopolysaccharidosis with skin involvement; Attenuated MPS (subtype; formerly known as mild MPS II); Severe MPS II; I2S deficiency; MPS 2; Hunter Syndrome. Identifiers: Orphanet 580, Orphanet 79388, MedGen C0026705, MONDO:0010674, OMIM 309900.
IDS-related disorder. Also called: IDS-related condition.

Allele frequency attached by ClinVar (database versions not stated): ExAC 0.00003; gnomAD exomes 0.00004; gnomAD 0.00005 and 0.00006; TOPMed 0.00010.
gnomAD v4.1: 79 of 1,209,026 alleles (0.0065%); highest among the groups gnomAD compares: Non-Finnish European, 0.0084%; no homozygotes.

Submissions (4):

Labcorp Genetics (formerly Invitae), Labcorp
Classification: Benign for Mucopolysaccharidosis, MPS-II. Last evaluated: 2025-02-12. Review status: criteria provided, single submitter. Criteria: Invitae Variant Classification Sherloc (09022015). Collection method: clinical testing. Allele origin: germline.

Fulgent Genetics
Classification: Likely benign for Mucopolysaccharidosis, MPS-II. Last evaluated: 2022-01-31. Review status: criteria provided, single submitter. Criteria: ACMG Guidelines, 2015. Collection method: clinical testing. Allele origin: unknown.

Ambry Genetics
Classification: Likely benign for Inborn genetic diseases. Last evaluated: 2017-04-14. Review status: criteria provided, single submitter. Criteria: Ambry Variant Classification Scheme 2023. Collection method: clinical testing. Allele origin: germline.

PreventionGenetics, part of Exact Sciences
Classification: Likely benign for IDS-related condition. Last evaluated: 2019-05-01. Review status: no assertion criteria provided. Collection method: clinical testing. Allele origin: germline. Not counted in ClinVar's aggregate classification.
Comment: This variant is classified as likely benign based on ACMG/AMP sequence variant interpretation guidelines (Richards et al. 2015 PMID: 25741868, with internal and published modifications).